The following is an entry in ClinVar:

NM_002878.4(RAD51D):c.412A>C (p.Asn138His)

Genes: RAD51L3-RFFL (RAD51L3-RFFL readthrough; minus strand), RAD51D (RAD51 paralog D; minus strand). Cytogenetic location: 17q12.
Variant type: single nucleotide variant.
Coding change: c.412A>C on transcript NM_002878.4 (MANE Select); coding-DNA position 412, A replaced by C.
Protein change: p.Asn138His; replaces asparagine 138 with histidine.
Molecular consequence: missense variant. On other transcripts: non-coding transcript variant (1), intron variant (1).
Genome position (GRCh38, 1-based): chr17:35,107,056, T>G on the plus strand (A>C on the coding strand, the complement: RAD51D is on the minus strand). VCF-style: chr17-35107056-T-G. GRCh37 (hg19) VCF-style: chr17-33434075-T-G.
Other names: p.N138H:AAT>CAT; c.472A>C, p.Asn158His (NM_001142571.2); c.145-575A>C (NM_133629.3); short protein forms N138H, N158H.
Identifiers: ClinVar variation 127888 (VCV000127888.67), dbSNP rs141690729, ClinGen allele CA287974.

ClinVar aggregate classification (germline): Conflicting classifications of pathogenicity. Review status: criteria provided, conflicting classifications (1 of 4 stars). 12 submissions from 12 submitters: Uncertain significance (11); Likely benign (1). Last evaluated 2026-01-27.

Conditions:
Hereditary cancer-predisposing syndrome. Also called: Tumor predisposition; Hereditary neoplastic syndrome; Neoplastic Syndromes, Hereditary; Hereditary Cancer Syndrome. Identifiers: Orphanet 140162, MedGen C0027672, MeSH D009386, MONDO:0015356.
Breast-ovarian cancer, familial, susceptibility to, 4. Identifiers: Orphanet 145, MedGen C3280345, MONDO:0013669, OMIM 614291.

Allele frequency attached by ClinVar (database versions not stated): TOPMed 0.00002.
gnomAD v4.1: 22 of 1,613,968 alleles (0.0014%); highest among the groups gnomAD compares: Non-Finnish European, 0.0018%; no homozygotes.

Submissions (12):

Labcorp Genetics (formerly Invitae), Labcorp
Classification: Uncertain significance for Breast-ovarian cancer, familial, susceptibility to, 4. Last evaluated: 2026-01-27. Review status: criteria provided, single submitter. Criteria: Invitae Variant Classification Sherloc (09022015). Collection method: clinical testing. Allele origin: germline.
Comment: This sequence change replaces asparagine, which is neutral and polar, with histidine, which is basic and polar, at codon 138 of the RAD51D protein (p.Asn138His). This variant is present in population databases (rs141690729, gnomAD 0.009%). This missense change has been observed in individual(s) with breast or ovarian cancer (PMID: 30111881, 31159747, 36011273). ClinVar contains an entry for this variant (Variation ID: 127888). Invitae Evidence Modeling of protein sequence and biophysical properties (such as structural, functional, and spatial information, amino acid conservation, physicochemical variation, residue mobility, and thermodynamic stability) indicates that this missense variant is not expected to disrupt RAD51D protein function with a negative predictive value of 80%. In summary, the available evidence is currently insufficient to determine the role of this variant in disease. Therefore, it has been classified as a Variant of Uncertain Significance.

Color Diagnostics, LLC DBA Color Health
Classification: Uncertain significance for Hereditary cancer-predisposing syndrome. Last evaluated: 2025-03-25. Review status: criteria provided, single submitter. Criteria: ACMG Guidelines, 2015. Collection method: clinical testing. Allele origin: germline.
Comment: This missense variant replaces asparagine with histidine at codon 138 of the RAD51D protein. Computational prediction suggests that this variant may not impact protein structure and function. To our knowledge, functional studies have not been reported for this variant. This variant has been reported in an individual affected with ovarian cancer (PMID: 30111881), in an individual with breast cancer (PMID: 36011273), and in five individuals with a personal or family history of breast and/or ovarian cancer (PMID: 31159747). In a large breast cancer case-control meta-analysis, this variant was identified in 2/60464 cases and absent in 53461 controls (PMID: 33471991 - Leiden Open Variation Database DB-ID RAD51D_000146). This variant has also been identified in 12/282832 chromosomes in the general population by the Genome Aggregation Database (gnomAD). The available evidence is insufficient to determine the role of this variant in disease conclusively. Therefore, this variant is classified as a Variant of Uncertain Significance.

Center for Genomic Medicine, Rigshospitalet, Copenhagen University Hospital
Classification: Uncertain significance. Last evaluated: 2025-03-04. Review status: criteria provided, single submitter. Criteria: ACMG Guidelines, 2015. Collection method: clinical testing. Allele origin: germline.

Blueprint Genetics
Classification: Uncertain significance. Last evaluated: 2024-10-08. Review status: criteria provided, single submitter. Criteria: ACMG Guidelines, 2015. Collection method: clinical testing. Allele origin: germline.

Ambry Genetics
Classification: Uncertain significance for Hereditary cancer-predisposing syndrome. Last evaluated: 2024-07-11. Review status: criteria provided, single submitter. Criteria: Ambry Variant Classification Scheme 2023. Collection method: clinical testing. Allele origin: germline.
Comment: The p.N138H variant (also known as c.412A>C), located in coding exon 5 of the RAD51D gene, results from an A to C substitution at nucleotide position 412. The asparagine at codon 138 is replaced by histidine, an amino acid with similar properties. This alteration has been reported in an individual diagnosed with ovarian cancer (Konstanta I et al. J. Hum. Genet., 2018 Nov;63:1149-1158) and in an individual diagnosed with colorectal cancer (Akcay IM et al. Int J Cancer 2021 01;148(2):285-295). It has also been reported as a variant of unknown significance in 5/1197 individuals from Greece, Romania, and Turkey undergoing evaluation for inherited cancer predisposition (Tsaousis GN et al. BMC Cancer, 2019 Jun;19:535). This amino acid position is not well conserved in available vertebrate species. In addition, the in silico prediction for this alteration is inconclusive. Based on the available evidence, the clinical significance of this variant remains unclear.

Baylor Genetics
Classification: Uncertain significance for Breast-ovarian cancer, familial, susceptibility to, 4. Last evaluated: 2024-02-22. Review status: criteria provided, single submitter. Criteria: ACMG Guidelines, 2015. Collection method: clinical testing. Allele origin: unknown.

GeneDx
Classification: Uncertain significance. Last evaluated: 2022-10-07. Review status: criteria provided, single submitter. Criteria: GeneDx Variant Classification Process June 2021. Collection method: clinical testing. Allele origin: germline. Affected: yes.
Comment: In silico analysis supports that this missense variant does not alter protein structure/function; This variant is associated with the following publications: (PMID: 31159747, 21111057, 14704354, 19327148, 30111881)

CeGaT Center for Human Genetics Tuebingen
Classification: Likely benign. Last evaluated: 2022-06-01. Review status: criteria provided, single submitter. Criteria: CeGaT Center For Human Genetics Tuebingen Variant Classification Criteria Version 2. Collection method: clinical testing. Allele origin: germline. Affected: yes. Observed: 1 variant allele.
Comment: RAD51D: BP1, BP4

MGZ Medical Genetics Center
Classification: Uncertain significance for Breast-ovarian cancer, familial, susceptibility to, 4. Last evaluated: 2021-06-24. Review status: criteria provided, single submitter. Criteria: ACMG Guidelines, 2015. Collection method: clinical testing. Allele origin: germline. Affected: yes. Observed: 1 variant allele.
Comment: ACMG criteria applied: PM2_SUP, BP4

ARUP Laboratories, Molecular Genetics and Genomics, ARUP Laboratories
Classification: Uncertain significance for Breast-ovarian cancer, familial, susceptibility to, 4. Last evaluated: 2019-08-22. Review status: criteria provided, single submitter. Criteria: ARUP Molecular Germline Variant Investigation Process. Collection method: clinical testing. Allele origin: germline.
Comment: The RAD51D c.412A>C; p.Asn138His variant (rs141690729) is reported in the literature in an individual with ovarian cancer (Konstanta 2018), and is reported in ClinVar (Variation ID: 127888). A different variant at this codon (p.Asn138Ser) is also reported in the literature in an individual with ovarian cancer, but was also found in a healthy control individual (Sanchez-Bermudez 2018). The p.Asn138His variant is found in the general population with an overall allele frequency of 0.004% (12/282832 alleles) in the Genome Aggregation Database. The asparagine at codon 138 is moderately conserved, but computational analyses (SIFT: Tolerated, PolyPhen-2: Possibly Damaging) predict conflicting effects of this variant on protein structure/function. Due to limited information, the clinical significance of this variant is uncertain at this time. REFERENCES Konstanta I et al. Contribution of RAD51D germline mutations in breast and ovarian cancer in Greece. J Hum Genet. 2018 Nov;63(11):1149-1158. Sanchez-Bermudez AI et al. Mutational analysis of RAD51C and RAD51D genes in hereditary breast and ovarian cancer families from Murcia (southeastern Spain). Eur J Med Genet. 2018 Jun;61(6):355-361.

Quest Diagnostics Nichols Institute San Juan Capistrano
Classification: Uncertain significance. Last evaluated: 2019-08-10. Review status: criteria provided, single submitter. Criteria: Quest Diagnostics criteria. Collection method: clinical testing. Allele origin: germline.

GeneKor MSA
Classification: Uncertain significance for Hereditary cancer-predisposing syndrome. Last evaluated: 2018-08-01. Review status: criteria provided, single submitter. Criteria: ACMG Guidelines, 2015. Collection method: clinical testing. Allele origin: germline. Affected: yes.

Literature cited by the submitters: PubMed 30111881 (cited by 5 submitters); PubMed 31159747 (cited by 3 submitters); PubMed 36011273 (cited by Labcorp Genetics (formerly Invitae), Labcorp and Color Diagnostics, LLC DBA Color Health); PubMed 33471991 (cited by Color Diagnostics, LLC DBA Color Health).